The following is an entry in ClinVar:

ClinVar aggregate classification (germline): Uncertain significance. Review status: criteria provided, multiple submitters, no conflicts (2 of 4 stars). 2 submissions from 2 submitters: Uncertain significance (2). Last evaluated 2026-01-24.

gnomAD v4.1: 2 of 1,614,194 alleles (0.00012%); highest among the groups gnomAD compares: Admixed American, 0.0017%; no homozygotes.

Submissions (2):

Labcorp Genetics (formerly Invitae), Labcorp
Classification: Uncertain significance. Last evaluated: 2026-01-24. Review status: criteria provided, single submitter. Criteria: Invitae Variant Classification Sherloc (09022015). Collection method: clinical testing. Allele origin: germline.
Comment: This sequence change replaces serine, which is neutral and polar, with leucine, which is neutral and non-polar, at codon 211 of the IL12RB2 protein (p.Ser211Leu). This variant is present in population databases (no rsID available, gnomAD 0.003%). This variant has not been reported in the literature in individuals affected with IL12RB2-related conditions. ClinVar contains an entry for this variant (Variation ID: 3528530). An algorithm developed to predict the effect of missense changes on protein structure and function (PolyPhen-2) suggests that this variant is likely to be disruptive. In summary, the available evidence is currently insufficient to determine the role of this variant in disease. Therefore, it has been classified as a Variant of Uncertain Significance.

Ambry Genetics
Classification: Uncertain significance. Last evaluated: 2024-07-31. Review status: criteria provided, single submitter. Criteria: Ambry Variant Classification Scheme 2023. Collection method: clinical testing. Allele origin: germline.

NM_001374259.2(IL12RB2):c.632C>T (p.Ser211Leu)

Gene: IL12RB2 (interleukin 12 receptor subunit beta 2; plus strand). Cytogenetic location: 1p31.3.
Variant type: single nucleotide variant.
Coding change: c.632C>T on transcript NM_001374259.2 (MANE Select); coding-DNA position 632, C replaced by T.
Protein change: p.Ser211Leu; replaces serine 211 with leucine.
Molecular consequence: missense variant. On other transcripts: non-coding transcript variant (2).
Genome position (GRCh38, 1-based): chr1:67,328,352, C>T. VCF-style: chr1-67328352-C-T. GRCh37 (hg19) VCF-style: chr1-67794035-C-T.
Other names: c.632C>T, p.Ser211Leu (NM_001258214.1, NM_001258215.1, NM_001258216.1 and 2 more transcripts); short protein forms S211L.
Identifiers: ClinVar variation 3528530 (VCV003528530.2).